The following is an entry in ClinVar:

ClinVar aggregate classification (germline): Benign (1 of 4 stars; one submission).

Allele frequency attached by ClinVar (database versions not stated): gnomAD 0.03402 and 0.03654; 1000 Genomes Project 0.03874; TOPMed 0.03883; 1000 Genomes Project 30x 0.04310.
gnomAD v4.1: 5,126 of 152,252 alleles (3.4%); highest among the groups gnomAD compares: African/African-American, 12%; 293 homozygotes.

Submission:

GeneDx
Classification: Benign. Last evaluated: 2018-06-14. Review status: criteria provided, single submitter. Criteria: GeneDx Variant Classification (06012015). Collection method: clinical testing. Allele origin: germline. Affected: yes.
Comment: This variant is considered likely benign or benign based on one or more of the following criteria: it is a conservative change, it occurs at a poorly conserved position in the protein, it is predicted to be benign by multiple in silico algorithms, and/or has population frequency not consistent with disease.

NM_001377.3(DYNC2H1):c.10761+190A>G

Gene: DYNC2H1 (dynein cytoplasmic 2 heavy chain 1; plus strand). Cytogenetic location: 11q22.3.
Variant type: single nucleotide variant.
Coding change: c.10761+190A>G on transcript NM_001377.3 (MANE Select); 190 bases into the intron after coding-DNA position 10761, A replaced by G.
Molecular consequence: intron variant.
Genome position (GRCh38, 1-based): chr11:103,280,603, A>G. VCF-style: chr11-103280603-A-G. GRCh37 (hg19) VCF-style: chr11-103151332-A-G.
Other names: c.10782+190A>G (NM_001080463.2).
Identifiers: ClinVar variation 673031 (VCV000673031.1), dbSNP rs11225648, ClinGen allele CA227420243.